The following is an entry in ClinVar:

NC_000022.11:g.40345598C>G

Gene: ADSL (adenylosuccinate lyase; plus strand). Cytogenetic location: 22q13.1.
Variant type: single nucleotide variant.
Genome position: GRCh38 VCF-style: chr22-40345598-C-G. GRCh37 (hg19) VCF-style: chr22-40741602-C-G.
Identifiers: ClinVar variation 1485088 (VCV001485088.4), dbSNP rs941360483, ClinGen allele CA324446284.
Genomic context (GRCh38, chr22:40,345,598, plus strand): 5'-TGGCACTCCAGACTGAACAACATAGCAAGACCCTGTCAAAAAAAAAAAAAAGGGGGGGGG[C>G]CACTTGAGTGTTTCTATTTCTATTTATTTATTTAATTCTTTTATTTTTTGGAGACGGAGT-3'

ClinVar aggregate classification (germline): Uncertain significance (1 of 4 stars; one submission).

Conditions:
Adenylosuccinate lyase deficiency (ADSLD). Also called: ADSL DEFICIENCY. Identifiers: Orphanet 46, MedGen C0268126, MONDO:0007068, OMIM 103050.

Allele frequency attached by ClinVar (database versions not stated): gnomAD 0.00020; TOPMed 0.00020.

Submission:

Labcorp Genetics (formerly Invitae), Labcorp
Classification: Uncertain significance for Adenylosuccinate lyase deficiency. Last evaluated: 2022-08-31. Review status: criteria provided, single submitter. Criteria: Invitae Variant Classification Sherloc (09022015). Collection method: clinical testing. Allele origin: germline.
Comment: This variant occurs in a non-coding region of the ADSL gene. It does not change the encoded amino acid sequence of the ADSL protein. This variant is present in population databases (no rsID available, gnomAD 0.04%). This variant has not been reported in the literature in individuals affected with ADSL-related conditions. Experimental studies and prediction algorithms are not available or were not evaluated, and the functional significance of this variant is currently unknown. In summary, the available evidence is currently insufficient to determine the role of this variant in disease. Therefore, it has been classified as a Variant of Uncertain Significance.